The following is an entry in ClinVar:

ClinVar aggregate classification (germline): Uncertain significance (1 of 4 stars; one submission).

Conditions:
Inborn genetic diseases. Identifiers: MedGen C0950123, MeSH D030342.

Submission:

Ambry Genetics
Classification: Uncertain significance for Inborn genetic diseases. Last evaluated: 2025-06-22. Review status: criteria provided, single submitter. Criteria: Ambry Variant Classification Scheme 2023. Collection method: clinical testing. Allele origin: germline.
Comment: The p.V276M variant (also known as c.826G>A), located in coding exon 2 of the SH2B3 gene, results from a G to A substitution at nucleotide position 826. The valine at codon 276 is replaced by methionine, an amino acid with highly similar properties. This amino acid position is conserved. In addition, this alteration is predicted to be deleterious by in silico analysis. Based on the available evidence, the clinical significance of this variant remains unclear.

NM_005475.3(SH2B3):c.826G>A (p.Val276Met)

Gene: SH2B3 (SH2B adaptor protein 3; plus strand). Cytogenetic location: 12q24.12.
Variant type: single nucleotide variant.
Coding change: c.826G>A on transcript NM_005475.3 (MANE Select); coding-DNA position 826, G replaced by A.
Protein change: p.Val276Met; replaces valine 276 with methionine.
Molecular consequence: missense variant.
Genome position (GRCh38, 1-based): chr12:111,446,846, G>A. VCF-style: chr12-111446846-G-A. GRCh37 (hg19) VCF-style: chr12-111884650-G-A.
Other names: c.220G>A, p.Val74Met (NM_001291424.1); short protein forms V276M, V74M.
Identifiers: ClinVar variation 4163904 (VCV004163904.1).
Genomic context (GRCh38, chr12:111,446,846, plus strand): 5'-AGCATCCAGGAGGTCCGGTGGTGCACACGGCTTGAGATGCCTGACAACCTTTACACCTTT[G>A]TGCTGAAGGTGAGTGACAAGGCTTTTCACACCCTGGGGCAATACAAATACATACACATAC-3'
Protein context (NP_005466.1, residues 266-286): LEMPDNLYTF[Val276Met]LKVKDRTDII